The following is an entry in ClinVar:

NM_003072.5(SMARCA4):c.2386C>T (p.Leu796Phe)

Gene: SMARCA4 (SWI/SNF related BAF chromatin remodeling complex subunit ATPase 4; plus strand). Cytogenetic location: 19p13.2.
Variant type: single nucleotide variant.
Coding change: c.2386C>T on transcript NM_003072.5 (MANE Select); coding-DNA position 2386, C replaced by T.
Protein change: p.Leu796Phe; replaces leucine 796 with phenylalanine.
Molecular consequence: missense variant. On other transcripts: non-coding transcript variant (1).
Genome position (GRCh38, 1-based): chr19:11,013,060, C>T. VCF-style: chr19-11013060-C-T. GRCh37 (hg19) VCF-style: chr19-11123736-C-T.
Other names: c.2386C>T, p.Leu796Phe (NM_001128844.3, NM_001128845.2, NM_001128846.2 and 6 more transcripts); short protein forms L796F.
Identifiers: ClinVar variation 4549101 (VCV004549101.1).

ClinVar aggregate classification (germline): Uncertain significance (1 of 4 stars; one submission).

Conditions:
Hereditary cancer-predisposing syndrome. Also called: Tumor predisposition; Hereditary Cancer Syndrome; Hereditary neoplastic syndrome; Neoplastic Syndromes, Hereditary. Identifiers: Orphanet 140162, MedGen C0027672, MeSH D009386, MONDO:0015356.

gnomAD v4.1: 1 of 1,614,172 alleles (0.000062%); highest among the groups gnomAD compares: Non-Finnish European, 0.000085%; no homozygotes.

Submission:

Ambry Genetics
Classification: Uncertain significance for Hereditary cancer-predisposing syndrome. Last evaluated: 2025-09-17. Review status: criteria provided, single submitter. Criteria: Ambry Variant Classification Scheme 2023. Collection method: clinical testing. Allele origin: germline.
Comment: The p.L796F variant (also known as c.2386C>T), located in coding exon 15 of the SMARCA4 gene, results from a C to T substitution at nucleotide position 2386. The leucine at codon 796 is replaced by phenylalanine, an amino acid with highly similar properties. This amino acid position is highly conserved in available vertebrate species. In addition, this alteration is predicted to be deleterious by in silico analysis. Based on the available evidence, the clinical significance of this variant remains unclear.